The following is an entry in ClinVar:

ClinVar aggregate classification (germline): Likely pathogenic (1 of 4 stars; one submission).

Conditions:
Autosomal recessive limb-girdle muscular dystrophy type 2L (LGMDR12). Also called: Limb-girdle muscular dystrophy, type 2L; MUSCULAR DYSTROPHY, LIMB-GIRDLE, AUTOSOMAL RECESSIVE 12; Limb-Girdle Muscular Dystrophy R12 Anoctamin-5-Related (LGMD-R12). Identifiers: Orphanet 206549, MedGen C1969785, MONDO:0012652, OMIM 611307.
Gnathodiaphyseal dysplasia (GDD). Also called: GNATHODIAPHYSEAL SCLEROSIS; OSTEOGENESIS IMPERFECTA WITH UNUSUAL SKELETAL LESIONS. Identifiers: Orphanet 53697, MedGen C1833736, MONDO:0008151, OMIM 166260.

Submission:

Labcorp Genetics (formerly Invitae), Labcorp
Classification: Likely pathogenic for Autosomal recessive limb-girdle muscular dystrophy type 2L; Gnathodiaphyseal dysplasia. Last evaluated: 2023-07-03. Review status: criteria provided, single submitter. Criteria: Invitae Variant Classification Sherloc (09022015). Collection method: clinical testing. Allele origin: unknown.
Comment: In summary, the currently available evidence indicates that the variant is pathogenic, but additional data are needed to prove that conclusively. Therefore, this variant has been classified as Likely Pathogenic. This variant has not been reported in the literature in individuals affected with ANO5-related conditions. This variant results in a copy number gain of the genomic region encompassing exon(s) 6-9 of the ANO5 gene. While the exact position of this variant cannot be determined from the data, sub-genic copy number gains are generally in tandem (PMID: 25640679). This variant is predicted to be out-of-frame, and may result in an absent or disrupted protein product. Loss-of-function variants in ANO5 are known to be pathogenic (PMID: 21186264, 23606453, 25891276, 30919934).

Literature cited by the submitters: PubMed 25640679; PubMed 21186264; PubMed 23606453; PubMed 25891276; PubMed 30919934.

NC_000011.9:g.(?_22247510)_(22261250_?)dup

Gene: ANO5 (anoctamin 5; plus strand). Cytogenetic location: 11p14.3.
Variant type: Duplication.
Identifiers: ClinVar variation 3244657 (VCV003244657.1).